The following is an entry in ClinVar:

NM_001271.4(CHD2):c.857T>C (p.Ile286Thr)

Gene: CHD2 (chromodomain helicase DNA binding protein 2; plus strand). Cytogenetic location: 15q26.1.
Variant type: single nucleotide variant.
Coding change: c.857T>C on transcript NM_001271.4 (MANE Select); coding-DNA position 857, T replaced by C.
Protein change: p.Ile286Thr; replaces isoleucine 286 with threonine.
Molecular consequence: missense variant.
Genome position (GRCh38, 1-based): chr15:92,942,873, T>C. VCF-style: chr15-92942873-T-C. GRCh37 (hg19) VCF-style: chr15-93486103-T-C.
Other names: c.857T>C, p.Ile286Thr (NM_001042572.3); short protein forms I286T.
Identifiers: ClinVar variation 1429860 (VCV001429860.8), dbSNP rs530919126, ClinGen allele CA7747650.
Genomic context (GRCh38, chr15:92,942,873, plus strand): 5'-CTCTTTCAAGTGTACTTAATCCTTTTGCAGCCACTGGAGCATCTACTACTGTATATGCGA[T>C]TGAAGCTAATGGCGACCCTAGTGGTGACTTTGACACTGAAAAGGATGAAGGTGAAATCCA-3'
Protein context (NP_001262.3, residues 276-296): ATGASTTVYA[Ile286Thr]EANGDPSGDF

ClinVar aggregate classification (germline): Uncertain significance (1 of 4 stars; one submission).

Conditions:
Developmental and epileptic encephalopathy 94 (DEE94). Also called: CHD2-Related Neurodevelopmental Disorders; Epileptic encephalopathy, childhood-onset. Identifiers: Orphanet 1942, Orphanet 2382, MedGen C3809278, MONDO:0014150, OMIM 615369.

Allele frequency attached by ClinVar (database versions not stated): gnomAD exomes below 0.00001 and 0.00001; TOPMed below 0.00001; ExAC 0.00001; gnomAD 0.00001; 1000 Genomes Project 30x 0.00016; 1000 Genomes Project 0.00020.

Submission:

Labcorp Genetics (formerly Invitae), Labcorp
Classification: Uncertain significance for Developmental and epileptic encephalopathy 94. Last evaluated: 2025-05-18. Review status: criteria provided, single submitter. Criteria: Invitae Variant Classification Sherloc (09022015). Collection method: clinical testing. Allele origin: germline.
Comment: This sequence change replaces isoleucine, which is neutral and non-polar, with threonine, which is neutral and polar, at codon 286 of the CHD2 protein (p.Ile286Thr). This variant is present in population databases (rs530919126, gnomAD 0.0009%). This variant has not been reported in the literature in individuals affected with CHD2-related conditions. ClinVar contains an entry for this variant (Variation ID: 1429860). Invitae Evidence Modeling of protein sequence and biophysical properties (such as structural, functional, and spatial information, amino acid conservation, physicochemical variation, residue mobility, and thermodynamic stability) indicates that this missense variant is not expected to disrupt CHD2 protein function with a negative predictive value of 95%. In summary, the available evidence is currently insufficient to determine the role of this variant in disease. Therefore, it has been classified as a Variant of Uncertain Significance.